The following is an entry in ClinVar:

ClinVar aggregate classification (germline): Benign/Likely benign. Review status: criteria provided, multiple submitters, no conflicts (2 of 4 stars). 4 submissions from 2 submitters: Benign (1); Likely benign (3). Last evaluated 2017-04-27.

Conditions:
Desmin-related myofibrillar myopathy (MFM1). Also called: MYOFIBRILLAR MYOPATHY WITH ARRHYTHMOGENIC RIGHT VENTRICULAR CARDIOMYOPATHY; DESMIN-RELATED MYOPATHY WITH ARRHYTHMOGENIC RIGHT VENTRICULAR CARDIOMYOPATHY; Myofibrillar myopathy 1; Desminopathy; Desmin related myopathy (former name); Desmin storage myopathy (former name). Identifiers: Orphanet 363543, Orphanet 98909, MedGen C1832370, MONDO:0011076, OMIM 601419.
Dilated cardiomyopathy 1I (CMD1I). Identifiers: Orphanet 154, MedGen C1858154, MONDO:0011482, OMIM 604765.
Neurogenic scapuloperoneal syndrome, Kaeser type (SCPNK). Also called: KAESER SYNDROME. Identifiers: Orphanet 85146, MedGen C1867005, MONDO:0008407, OMIM 181400.

Allele frequency attached by ClinVar (database versions not stated): gnomAD 0.00055 and 0.00061; ExAC 0.00095; 1000 Genomes Project 0.00100; TOPMed 0.00113; 1000 Genomes Project 30x 0.00172.

Submissions (4):

Illumina Laboratory Services, Illumina
Classification: Likely benign for Neurogenic scapuloperoneal syndrome, Kaeser type. Last evaluated: 2017-04-27. Review status: criteria provided, single submitter. Criteria: ICSL Variant Classification Criteria 13 December 2019. Collection method: clinical testing. Allele origin: germline.
Comment: This variant was observed as part of a predisposition screen in an ostensibly healthy population. A literature search was performed for the gene, cDNA change, and amino acid change (where applicable). No publications were found based on this search. Allele frequency data from public databases allowed determination this variant is unlikely to cause disease. Therefore, this variant is classified as likely benign.

Illumina Laboratory Services, Illumina
Classification: Likely benign for Dilated cardiomyopathy 1I. Last evaluated: 2017-04-27. Review status: criteria provided, single submitter. Criteria: ICSL Variant Classification Criteria 13 December 2019. Collection method: clinical testing. Allele origin: germline.
Comment: the same text as in the submission from Illumina Laboratory Services, Illumina above.

Illumina Laboratory Services, Illumina
Classification: Likely benign for Myofibrillar myopathy 1. Last evaluated: 2017-04-27. Review status: criteria provided, single submitter. Criteria: ICSL Variant Classification Criteria 13 December 2019. Collection method: clinical testing. Allele origin: germline.
Comment: the same text as in the submission from Illumina Laboratory Services, Illumina above.

GeneDx
Classification: Benign. Last evaluated: 2014-06-11. Review status: criteria provided, single submitter. Criteria: GeneDx Variant Classification (06012015). Collection method: clinical testing. Allele origin: germline. Affected: yes.
Comment: This variant is considered likely benign or benign based on one or more of the following criteria: it is a conservative change, it occurs at a poorly conserved position in the protein, it is predicted to be benign by multiple in silico algorithms, and/or has population frequency not consistent with disease.

NM_001927.4(DES):c.-44G>A

Genes: DES-LCR (desmin locus control region; plus strand), DES (desmin; plus strand). Cytogenetic location: 2q35.
Variant type: single nucleotide variant.
Coding change: c.-44G>A on transcript NM_001927.4 (MANE Select); 44 bases upstream of the start codon, G replaced by A.
Molecular consequence: 5 prime UTR variant.
Genome position (GRCh38, 1-based): chr2:219,418,419, G>A. VCF-style: chr2-219418419-G-A. GRCh37 (hg19) VCF-style: chr2-220283141-G-A.
Other names: c.-44G>A (LRG_380t1).
Identifiers: ClinVar variation 201698 (VCV000201698.7), dbSNP rs184826121, ClinGen allele CA308252.